The following is an entry in ClinVar:

NM_000051.4(ATM):c.4007del (p.Phe1336fs)

Gene: ATM (ATM serine/threonine kinase; plus strand). Cytogenetic location: 11q22.3.
Variant type: Deletion.
Coding change: c.4007del on transcript NM_000051.4 (MANE Select); coding-DNA position 4007, one base deleted (T; older notation c.4007delT).
Protein change: p.Phe1336fs; shifts the reading frame from phenylalanine 1336.
Molecular consequence: frameshift variant.
Genome position (GRCh38, 1-based): chr11:108,287,613, T deleted; the last of 2 consecutive T bases (chr11:108,287,612-108,287,613); deleting either gives the same sequence. VCF-style (leftmost placement, unchanged base first): chr11-108287611-AT-A. GRCh37 (hg19) VCF-style: chr11-108158338-AT-A.
Other names: c.4007delT (NM_000051.3); c.4007del, p.Phe1336fs (NM_001351834.2); short protein forms F1336fs.
Identifiers: ClinVar variation 557393 (VCV000557393.7), dbSNP rs1555095841, ClinGen allele CA658822197.

ClinVar aggregate classification (germline): Pathogenic. Review status: criteria provided, multiple submitters, no conflicts (2 of 4 stars). 3 submissions from 3 submitters: Pathogenic (2). 1 of the submissions does not count toward it. Last evaluated 2024-03-11.

Conditions:
Hereditary cancer-predisposing syndrome. Also called: Tumor predisposition; Neoplastic Syndromes, Hereditary; Hereditary Cancer Syndrome; Hereditary neoplastic syndrome. Identifiers: Orphanet 140162, MedGen C0027672, MeSH D009386, MONDO:0015356.
Ataxia-telangiectasia syndrome (AT). Also called: Ataxia telangiectasia (A-T); ATAXIA-TELANGIECTASIA, COMPLEMENTATION GROUP A; ATAXIA-TELANGIECTASIA, FRESNO VARIANT; Ataxia-telangiectasia; LOUIS-BAR SYNDROME; Cerebello-oculocutaneous telangiectasia. Identifiers: Orphanet 100, MedGen C0004135, MONDO:0008840, OMIM 208900.

Submissions (3):

Ambry Genetics
Classification: Pathogenic for Hereditary cancer-predisposing syndrome. Last evaluated: 2024-03-11. Review status: criteria provided, single submitter. Criteria: Ambry Variant Classification Scheme 2023. Collection method: clinical testing. Allele origin: germline.
Comment: The c.4007delT pathogenic mutation, located in coding exon 26 of the ATM gene, results from a deletion of one nucleotide at nucleotide position 4007, causing a translational frameshift with a predicted alternate stop codon (p.F1336Sfs*13). This alteration is expected to result in loss of function by premature protein truncation or nonsense-mediated mRNA decay. As such, this alteration is interpreted as a disease-causing mutation.

Labcorp Genetics (formerly Invitae), Labcorp
Classification: Pathogenic for Ataxia-telangiectasia syndrome. Last evaluated: 2022-10-20. Review status: criteria provided, single submitter. Criteria: Invitae Variant Classification Sherloc (09022015). Collection method: clinical testing. Allele origin: germline.
Comment: For these reasons, this variant has been classified as Pathogenic. ClinVar contains an entry for this variant (Variation ID: 557393). This variant has not been reported in the literature in individuals affected with ATM-related conditions. This variant is not present in population databases (gnomAD no frequency). This sequence change creates a premature translational stop signal (p.Phe1336Serfs*13) in the ATM gene. It is expected to result in an absent or disrupted protein product. Loss-of-function variants in ATM are known to be pathogenic (PMID: 23807571, 25614872).

Counsyl
Classification: Likely pathogenic for Ataxia-telangiectasia syndrome. Last evaluated: 2018-03-23. Review status: no assertion criteria provided. Collection method: clinical testing. Allele origin: unknown. Not counted in ClinVar's aggregate classification.

Literature cited by the submitters: PubMed 23807571 (cited by Labcorp Genetics (formerly Invitae), Labcorp); PubMed 25614872 (cited by Labcorp Genetics (formerly Invitae), Labcorp).